The following is an entry in ClinVar:

ClinVar aggregate classification (germline): Uncertain significance (1 of 4 stars; one submission).

Allele frequency attached by ClinVar (database versions not stated): gnomAD exomes below 0.00001; 1000 Genomes Project 30x 0.00021.

Submission:

GeneDx
Classification: Uncertain significance. Last evaluated: 2015-06-25. Review status: criteria provided, single submitter. Criteria: GeneDx Variant Classification (06012015). Collection method: clinical testing. Allele origin: germline. Affected: yes.
Comment: The R285H variant has not been published as a mutation, nor has it been reported as a benign polymorphism to our knowledge. The R285H variant was not observed in approximately 6,400 individuals of European and African American ancestry in the NHLBI Exome Sequencing Project, indicating it is not a common benign variant in these populations. This substitution occurs at a position that is conserved in mammals. In silico analysis predicts this variant is probably damaging to the protein structure/function. Furthermore, a missense variant in the same residue, R285C, has been reported in association with PH (Reinstein et al., 2013). Protein expression studies from a lymphoblastoid cells generated from the son demonstrated a 70% reduction in filamin-A compared to a cell line generated from an age- and sex-matched control. The R285C variant therefore represents a hypomorphic allele, and the authors concluded that males who present with a broad spectrum of connective tissue abnormalities and seizures may harbor hypomorphic FLNA variants (Reinstein et al., 2013). Nevertheless, the functional effect of the R285H variant is unknown, and this variant is a conservative amino acid substitution, which is not likely to impact secondary protein structure as these residues share similar properties. Therefore, based on the currently available information, it is unclear whether this variant is a pathogenic mutation or a rare benign variant. This variant was found in TAADV2-PANCARD

NM_001110556.2(FLNA):c.854G>A (p.Arg285His)

Gene: FLNA (filamin A; minus strand). Cytogenetic location: Xq28.
Variant type: single nucleotide variant.
Coding change: c.854G>A on transcript NM_001110556.2 (MANE Select); coding-DNA position 854, G replaced by A.
Protein change: p.Arg285His; replaces arginine 285 with histidine.
Molecular consequence: missense variant.
Genome position (GRCh38, 1-based): chrX:154,367,411, C>T on the plus strand (G>A on the coding strand, the complement: FLNA is on the minus strand). VCF-style: chrX-154367411-C-T. GRCh37 (hg19) VCF-style: chrX-153595779-C-T.
Other names: p.R285H:CGT>CAT; c.854G>A, p.Arg285His (NM_001456.4); short protein forms R285H.
Identifiers: ClinVar variation 213514 (VCV000213514.2), dbSNP rs863223642, ClinGen allele CA321917.
Genomic context (GRCh38, chrX:154,367,411, plus strand): 5'-GGGAAGACGTTGGCACACGGGTGCACCCCTGGTGGGGCTCCCTCACCTGGCCCGTAGGCA[C>T]GGGCTTTCTTCGGGTTCAGTTTGGGCCGCAAGGGAGCCCCTGGCTTCAGCTTGGCCTTGG-3'
Protein context (NP_001104026.1, residues 275-295): LRPKLNPKKA[Arg285His]AYGPGIEPTG